The following is an entry in ClinVar:

ClinVar aggregate classification (germline): Uncertain significance (1 of 4 stars; one submission).

Conditions:
Hereditary cancer-predisposing syndrome. Also called: Neoplastic Syndromes, Hereditary; Hereditary Cancer Syndrome; Hereditary neoplastic syndrome; Tumor predisposition. Identifiers: Orphanet 140162, MedGen C0027672, MeSH D009386, MONDO:0015356.

Submission:

Ambry Genetics
Classification: Uncertain significance for Hereditary cancer-predisposing syndrome. Last evaluated: 2023-04-18. Review status: criteria provided, single submitter. Criteria: Ambry Variant Classification Scheme 2023. Collection method: clinical testing. Allele origin: germline.
Comment: The p.L902I variant (also known as c.2704C>A), located in coding exon 19 of the TSC1 gene, results from a C to A substitution at nucleotide position 2704. The leucine at codon 902 is replaced by isoleucine, an amino acid with highly similar properties. This amino acid position is conserved. In addition, the in silico prediction for this alteration is inconclusive. Since supporting evidence is limited at this time, the clinical significance of this alteration remains unclear.

NM_000368.5(TSC1):c.2704C>A (p.Leu902Ile)

Gene: TSC1 (TSC complex subunit 1; minus strand). Cytogenetic location: 9q34.13.
Variant type: single nucleotide variant.
Coding change: c.2704C>A on transcript NM_000368.5 (MANE Select); coding-DNA position 2704, C replaced by A.
Protein change: p.Leu902Ile; replaces leucine 902 with isoleucine.
Molecular consequence: missense variant. On other transcripts: non-coding transcript variant (5).
Genome position (GRCh38, 1-based): chr9:132,897,532, G>T on the plus strand (C>A on the coding strand, the complement: TSC1 is on the minus strand). VCF-style: chr9-132897532-G-T. GRCh37 (hg19) VCF-style: chr9-135772919-G-T.
Other names: c.2701C>A, p.Leu901Ile (NM_001162426.2, NM_001406597.1, NM_001406598.1 and 2 more transcripts); c.2551C>A, p.Leu851Ile (NM_001162427.2, NM_001406610.1); c.2341C>A, p.Leu781Ile (NM_001362177.2, NM_001406614.1, NM_001406615.1 and 4 more transcripts); c.2704C>A, p.Leu902Ile (NM_001406592.1, NM_001406593.1, NM_001406594.1 and 2 more transcripts); c.2689C>A, p.Leu897Ile (NM_001406601.1, NM_001406602.1); c.2686C>A, p.Leu896Ile (NM_001406603.1, NM_001406604.1); c.2662C>A, p.Leu888Ile (NM_001406605.1, NM_001406606.1, NM_001406607.1); c.2659C>A, p.Leu887Ile (NM_001406608.1, NM_001406609.1); and 8 more; short protein forms L551I, L766I, L780I, L850I, L897I, L902I, L584I, L585I.
Identifiers: ClinVar variation 2562859 (VCV002562859.2), dbSNP rs1281554383, ClinGen allele CA375369411.
Genomic context (GRCh38, chr9:132,897,532, plus strand): 5'-GGTGGTCTTTCTTGGCCAGGTGAGATTCCAGTTCCAAAATCCGTTTTTGGGAGGTATCAA[G>T]CCTCTGAGTCTGCTGGAGAACATGGCTTCTGTTTTTTTCTAGCTCTTTCCGATAGGCGGC-3'
Protein context (NP_000359.1, residues 892-912): RSHVLQQTQR[Leu902Ile]DTSQKRILEL